The following is an entry in ClinVar:

ClinVar aggregate classification (germline): Conflicting classifications of pathogenicity. Review status: criteria provided, conflicting classifications (1 of 4 stars). 2 submissions from 2 submitters: Uncertain significance (1); Likely benign (1). Last evaluated 2025-06-11.

Conditions:
Hereditary diffuse gastric adenocarcinoma (HDGC). Also called: DIFFUSE GASTRIC AND LOBULAR BREAST CANCER SYNDROME. Identifiers: Orphanet 26106, MedGen C1708349, MONDO:0007648, OMIM 137215.
Hereditary cancer-predisposing syndrome. Also called: Neoplastic Syndromes, Hereditary; Hereditary neoplastic syndrome; Tumor predisposition; Hereditary Cancer Syndrome. Identifiers: Orphanet 140162, MedGen C0027672, MeSH D009386, MONDO:0015356.

Allele frequency attached by ClinVar (database versions not stated): TOPMed 0.00003.
gnomAD v4.1: 12 of 1,613,910 alleles (0.00074%); highest among the groups gnomAD compares: Admixed American, 0.02%; no homozygotes.

Submissions (2):

Ambry Genetics
Classification: Likely benign for Hereditary cancer-predisposing syndrome. Last evaluated: 2025-06-11. Review status: criteria provided, single submitter. Criteria: Ambry Variant Classification Scheme 2023. Collection method: clinical testing. Allele origin: germline.

Labcorp Genetics (formerly Invitae), Labcorp
Classification: Uncertain significance for Hereditary diffuse gastric adenocarcinoma. Last evaluated: 2024-07-02. Review status: criteria provided, single submitter. Criteria: Invitae Variant Classification Sherloc (09022015). Collection method: clinical testing. Allele origin: germline.
Comment: This sequence change replaces leucine, which is neutral and non-polar, with valine, which is neutral and non-polar, at codon 669 of the CDH1 protein (p.Leu669Val). This variant is present in population databases (no rsID available, gnomAD 0.006%). This variant has not been reported in the literature in individuals affected with CDH1-related conditions. ClinVar contains an entry for this variant (Variation ID: 532444). An algorithm developed to predict the effect of missense changes on protein structure and function (PolyPhen-2) suggests that this variant is likely to be disruptive. In summary, the available evidence is currently insufficient to determine the role of this variant in disease. Therefore, it has been classified as a Variant of Uncertain Significance.

NM_004360.5(CDH1):c.2005C>G (p.Leu669Val)

Gene: CDH1 (cadherin 1; plus strand). Cytogenetic location: 16q22.1.
Variant type: single nucleotide variant.
Coding change: c.2005C>G on transcript NM_004360.5 (MANE Select); coding-DNA position 2005, C replaced by G.
Protein change: p.Leu669Val; replaces leucine 669 with valine.
Molecular consequence: missense variant.
Genome position (GRCh38, 1-based): chr16:68,823,467, C>G. VCF-style: chr16-68823467-C-G. GRCh37 (hg19) VCF-style: chr16-68857370-C-G.
Other names: c.2005C>G (LRG_301t1); c.1822C>G, p.Leu608Val (NM_001317184.2); c.457C>G, p.Leu153Val (NM_001317185.2); c.40C>G, p.Leu14Val (NM_001317186.2); short protein forms L669V, L14V, L153V, L608V.
Identifiers: ClinVar variation 532444 (VCV000532444.16), dbSNP rs1490366214, ClinGen allele CA396467648.